The following is an entry in ClinVar:

ClinVar aggregate classification (germline): Pathogenic (1 of 4 stars; one submission).

Conditions:
Hereditary breast ovarian cancer syndrome. Also called: Hereditary breast and ovarian cancer; Hereditary breast and ovarian cancer syndrome (HBOC); Breast and ovarian cancer; Hereditary breast and ovarian cancer syndrome; Hereditary breast and/or ovarian cancer syndrome; BRCA1- and BRCA2-Associated Hereditary Breast and Ovarian Cancer. Identifiers: Orphanet 145, MedGen C0677776, MeSH D061325, MONDO:0003582. Disease mechanism: loss of function.

Submission:

Labcorp Genetics (formerly Invitae), Labcorp
Classification: Pathogenic for Hereditary breast ovarian cancer syndrome. Last evaluated: 2021-11-23. Review status: criteria provided, single submitter. Criteria: Invitae Variant Classification Sherloc (09022015). Collection method: clinical testing. Allele origin: germline.
Comment: This sequence change creates a premature translational stop signal (p.Pro1842Thrfs*4) in the BRCA2 gene. It is expected to result in an absent or disrupted protein product. Loss-of-function variants in BRCA2 are known to be pathogenic (PMID: 20104584). This variant is not present in population databases (gnomAD no frequency). This variant has not been reported in the literature in individuals affected with BRCA2-related conditions. For these reasons, this variant has been classified as Pathogenic.

Literature cited by the submitters: PubMed 20104584.

NM_000059.4(BRCA2):c.5523dup (p.Pro1842fs)

Gene: BRCA2 (BRCA2 DNA repair associated; plus strand). Cytogenetic location: 13q13.1.
Variant type: Duplication.
Coding change: c.5523dup on transcript NM_000059.4 (MANE Select); coding-DNA position 5523, one base duplicated (A; older notation c.5523dupA).
Protein change: p.Pro1842fs; shifts the reading frame from proline 1842.
Molecular consequence: frameshift variant.
Genome position (GRCh38, 1-based): chr13:32,339,878, A duplicated. VCF-style (leftmost placement, unchanged base first): chr13-32339877-C-CA. GRCh37 (hg19) VCF-style: chr13-32914014-C-CA.
Other names: short protein forms P1842fs.
Identifiers: ClinVar variation 1454516 (VCV001454516.6), dbSNP rs2137518266, ClinGen allele CA2573149365.
Genomic context (GRCh38, chr13:32,339,877, plus strand): 5'-AAAATAAAAATGCAGCCATTAAATTGTCCATATCTAATAGTAATAATTTTGAGGTAGGGC[C>CA]ACCTGCATTTAGGATAGCCAGTGGTAAAATCGTTTGTGTTTCACATGAAACAATTAAAAA-3'